The following is an entry in ClinVar:

ClinVar aggregate classification (germline): Pathogenic. Review status: criteria provided, multiple submitters, no conflicts (2 of 4 stars). 3 submissions from 3 submitters: Pathogenic (3). Last evaluated 2024-03-15.

Conditions:
Duchenne muscular dystrophy (DMD). Also called: MUSCULAR DYSTROPHY, PSEUDOHYPERTROPHIC PROGRESSIVE, DUCHENNE TYPE; Duchenne Muscular Dystrophy (DMD). Identifiers: Orphanet 98896, MedGen C0013264, MONDO:0010679, OMIM 310200.

Submissions (3):

GeneDx
Classification: Pathogenic. Last evaluated: 2024-03-15. Review status: criteria provided, single submitter. Criteria: GeneDx Variant Classification Process June 2021. Collection method: clinical testing. Allele origin: germline. Affected: yes.
Comment: Canonical splice site variant predicted to result in a null allele in a gene for which loss of function is a known mechanism of disease; Not observed at significant frequency in large population cohorts (gnomAD); This variant is associated with the following publications: (PMID: 25972034, 32194622)

Labcorp Genetics (formerly Invitae), Labcorp
Classification: Pathogenic for Duchenne muscular dystrophy. Last evaluated: 2023-04-11. Review status: criteria provided, single submitter. Criteria: Invitae Variant Classification Sherloc (09022015). Collection method: clinical testing. Allele origin: germline.
Comment: This variant is not present in population databases (gnomAD no frequency). For these reasons, this variant has been classified as Pathogenic. Algorithms developed to predict the effect of sequence changes on RNA splicing suggest that this variant may disrupt the consensus splice site. ClinVar contains an entry for this variant (Variation ID: 420583). Disruption of this splice site has been observed in individuals with Duchenne muscular dystrophy (DMD) (PMID: 21520333, 25972034). This sequence change affects a donor splice site in intron 56 of the DMD gene. It is expected to disrupt RNA splicing. Variants that disrupt the donor or acceptor splice site typically lead to a loss of protein function (PMID: 16199547), and loss-of-function variants in DMD are known to be pathogenic (PMID: 16770791, 25007885).

Eurofins Ntd Llc (ga)
Classification: Pathogenic. Last evaluated: 2016-10-11. Review status: criteria provided, single submitter. Criteria: EGL Classification Definitions 2015. Collection method: clinical testing. Allele origin: germline. Observed: 3 variant alleles, 2 heterozygotes, 1 hemizygote.

Literature cited by the submitters: PubMed 21520333 (cited by Labcorp Genetics (formerly Invitae), Labcorp); PubMed 25972034 (cited by Labcorp Genetics (formerly Invitae), Labcorp); PubMed 16199547 (cited by Labcorp Genetics (formerly Invitae), Labcorp); PubMed 16770791 (cited by Labcorp Genetics (formerly Invitae), Labcorp); PubMed 25007885 (cited by Labcorp Genetics (formerly Invitae), Labcorp).

NM_004006.3(DMD):c.8390+1G>A

Gene: DMD (dystrophin; minus strand). Cytogenetic location: Xp21.1.
Variant type: single nucleotide variant.
Coding change: c.8390+1G>A on transcript NM_004006.3 (MANE Select); the canonical splice donor site of the intron after coding-DNA position 8390, G replaced by A.
Molecular consequence: splice donor variant.
Genome position (GRCh38, 1-based): chrX:31,507,280, C>T on the plus strand (G>A on the coding strand, the complement: DMD is on the minus strand). VCF-style: chrX-31507280-C-T. GRCh37 (hg19) VCF-style: chrX-31525397-C-T.
Other names: c.8366+1G>A (NM_000109.4); c.4367+1G>A (NM_004011.4); c.4358+1G>A (NM_004012.4); c.1010+1G>A (NM_004023.3, NM_004020.4, NM_004022.3 and 2 more transcripts); c.203+1G>A (NM_004014.3); c.8378+1G>A (NM_004009.3); c.8021+1G>A (NM_004010.3).
Identifiers: ClinVar variation 420583 (VCV000420583.17), dbSNP rs1064794569, ClinGen allele CA16621360.